The following is an entry in ClinVar:

NM_006486.3(FBLN1):c.730C>T (p.Arg244Trp)

Gene: FBLN1 (fibulin 1; plus strand). Cytogenetic location: 22q13.31.
Variant type: single nucleotide variant.
Coding change: c.730C>T on transcript NM_006486.3 (MANE Select); coding-DNA position 730, C replaced by T.
Protein change: p.Arg244Trp; replaces arginine 244 with tryptophan.
Molecular consequence: missense variant.
Genome position (GRCh38, 1-based): chr22:45,533,844, C>T. VCF-style: chr22-45533844-C-T. GRCh37 (hg19) VCF-style: chr22-45929724-C-T.
Other names: c.730C>T, p.Arg244Trp (NM_001996.4, NM_006485.4, NM_006487.3); short protein forms R244W.
Identifiers: ClinVar variation 1918982 (VCV001918982.5), dbSNP rs549459139, ClinGen allele CA10286692.

ClinVar aggregate classification (germline): Uncertain significance (1 of 4 stars; one submission).

Allele frequency attached by ClinVar (database versions not stated): gnomAD 0.00001; ExAC 0.00004; 1000 Genomes Project 30x 0.00016; 1000 Genomes Project 0.00020.
gnomAD v4.1: 15 of 1,614,038 alleles (0.00093%); highest among the groups gnomAD compares: Admixed American, 0.0083%; no homozygotes.

Submission:

Labcorp Genetics (formerly Invitae), Labcorp
Classification: Uncertain significance. Last evaluated: 2022-01-04. Review status: criteria provided, single submitter. Criteria: Invitae Variant Classification Sherloc (09022015). Collection method: clinical testing. Allele origin: germline.
Comment: This sequence change replaces arginine, which is basic and polar, with tryptophan, which is neutral and slightly polar, at codon 244 of the FBLN1 protein (p.Arg244Trp). This variant is present in population databases (rs549459139, gnomAD 0.01%). This variant has not been reported in the literature in individuals affected with FBLN1-related conditions. Algorithms developed to predict the effect of missense changes on protein structure and function (SIFT, PolyPhen-2, Align-GVGD) all suggest that this variant is likely to be disruptive. In summary, the available evidence is currently insufficient to determine the role of this variant in disease. Therefore, it has been classified as a Variant of Uncertain Significance.